The following is an entry in ClinVar:

ClinVar aggregate classification (germline): Uncertain significance (1 of 4 stars; one submission).

Conditions:
Retinitis pigmentosa 12 (RP12). Also called: RP WITH OR WITHOUT PRESERVED PARAARTERIOLE RETINAL PIGMENT EPITHELIUM; RETINITIS PIGMENTOSA WITH OR WITHOUT PARAARTERIOLAR PRESERVATION OF RETINAL PIGMENT EPITHELIUM; RP WITH OR WITHOUT PPRPE. Identifiers: Orphanet 791, MedGen C1838647, MONDO:0010818, OMIM 600105.
Leber congenital amaurosis 8 (LCA8). Identifiers: Orphanet 65, MedGen C3151202, MONDO:0013453, OMIM 613835.

Allele frequency attached by ClinVar (database versions not stated): ExAC 0.00002.
gnomAD v4.1: 3 of 1,612,402 alleles (0.00019%); highest among the groups gnomAD compares: Admixed American, 0.0033%; no homozygotes.

Submission:

Labcorp Genetics (formerly Invitae), Labcorp
Classification: Uncertain significance for Leber congenital amaurosis 8; Retinitis pigmentosa 12. Last evaluated: 2022-09-27. Review status: criteria provided, single submitter. Criteria: Invitae Variant Classification Sherloc (09022015). Collection method: clinical testing. Allele origin: germline.
Comment: This sequence change replaces isoleucine, which is neutral and non-polar, with phenylalanine, which is neutral and non-polar, at codon 124 of the CRB1 protein (p.Ile124Phe). This variant is present in population databases (rs761952087, gnomAD 0.006%). This variant has not been reported in the literature in individuals affected with CRB1-related conditions. Algorithms developed to predict the effect of missense changes on protein structure and function output the following: SIFT: "Deleterious"; PolyPhen-2: "Benign"; Align-GVGD: "Class C0". The phenylalanine amino acid residue is found in multiple mammalian species, which suggests that this missense change does not adversely affect protein function. In summary, the available evidence is currently insufficient to determine the role of this variant in disease. Therefore, it has been classified as a Variant of Uncertain Significance.

NM_201253.3(CRB1):c.370A>T (p.Ile124Phe)

Gene: CRB1 (crumbs cell polarity complex component 1; plus strand). Cytogenetic location: 1q31.3.
Variant type: single nucleotide variant.
Coding change: c.370A>T on transcript NM_201253.3 (MANE Select); coding-DNA position 370, A replaced by T.
Protein change: p.Ile124Phe; replaces isoleucine 124 with phenylalanine.
Molecular consequence: missense variant. On other transcripts: non-coding transcript variant (2).
Genome position (GRCh38, 1-based): chr1:197,328,721, A>T. VCF-style: chr1-197328721-A-T. GRCh37 (hg19) VCF-style: chr1-197297851-A-T.
Other names: c.370A>T, p.Ile124Phe (NM_001193640.2, NM_001257966.2); c.163A>T, p.Ile55Phe (NM_001257965.2); short protein forms I124F, I55F.
Identifiers: ClinVar variation 2140337 (VCV002140337.1), dbSNP rs761952087, ClinGen allele CA1311624.
Genomic context (GRCh38, chr1:197,328,721, plus strand): 5'-GGGACAATCTGTGAAACTACCATTGGTTCCTGTGGCAAGAACTCCTGCCAACATGGAGGT[A>T]TTTGCCATCAGGACCCTATTTATCCTGTCTGCATCTGCCCTGCTGGATATGCTGGAAGAT-3'
Protein context (NP_957705.1, residues 114-134): CGKNSCQHGG[Ile124Phe]CHQDPIYPVC